The following is an entry in ClinVar:

ClinVar aggregate classification (germline): Benign. Review status: criteria provided, multiple submitters, no conflicts (2 of 4 stars). 3 submissions from 3 submitters: Benign (3). Last evaluated 2025-10-29.

Conditions:
Hypertrophic cardiomyopathy. Also called: HYPERTROPHIC MYOCARDIOPATHY. Identifiers: Orphanet 217569, MedGen C0007194, MeSH D002312, MONDO:0005045, HP:0001639.

Allele frequency attached by ClinVar (database versions not stated): gnomAD 0.00001 and 0.00041; TOPMed 0.00007; 1000 Genomes Project 30x 0.00187; gnomAD exomes 0.00198; ExAC 0.00213; 1000 Genomes Project 0.00220.
gnomAD v4.1: 1,392 of 1,592,304 alleles (0.087%); highest among the groups gnomAD compares: South Asian, 1.5%; 22 homozygotes.

Submissions (4):

Labcorp Genetics (formerly Invitae), Labcorp
Classification: Benign for Hypertrophic cardiomyopathy. Last evaluated: 2025-10-29. Review status: criteria provided, single submitter. Criteria: Invitae Variant Classification Sherloc (09022015). Collection method: clinical testing. Allele origin: germline.

Laboratory for Molecular Medicine, Mass General Brigham Personalized Medicine
Classification: Benign. Last evaluated: 2015-06-11. Review status: criteria provided, single submitter. Criteria: LMM Criteria. Collection method: clinical testing. Allele origin: germline. Observed: 1 variant allele.
Comment: p.Gly97Val in exon 2 of MYOM1: This variant is not expected to have clinical sig nificance because it has been identified in 2.1% (228/10648) of South Asian chro mosomes by the Exome Aggregation Consortium (ExAC, g; dbSNP rs568600892).

Breakthrough Genomics
Classification: Benign. Review status: criteria provided, single submitter. Criteria: ACMG Guidelines, 2015. Collection method: not provided. Allele origin: germline. Inheritance: Unknown mechanism. Affected: yes.

Dr. Peter K. Rogan Lab, Western University
No classification provided (evidence only). Condition: Ovarian serous cystadenocarcinoma. Review status: no classification provided. Collection method: in vitro. Allele origin: not applicable. Functional consequence: retained intron. Not counted in ClinVar's aggregate classification.

NM_003803.4(MYOM1):c.290G>T (p.Gly97Val)

Gene: MYOM1 (myomesin 1; minus strand). Cytogenetic location: 18p11.31.
Variant type: single nucleotide variant.
Coding change: c.290G>T on transcript NM_003803.4 (MANE Select); coding-DNA position 290, G replaced by T.
Protein change: p.Gly97Val; replaces glycine 97 with valine.
Molecular consequence: missense variant.
Genome position (GRCh38, 1-based): chr18:3,214,934, C>A on the plus strand (G>T on the coding strand, the complement: MYOM1 is on the minus strand). VCF-style: chr18-3214934-C-A. GRCh37 (hg19) VCF-style: chr18-3214932-C-A.
Other names: c.290G>T, p.Gly97Val (NM_019856.2); short protein forms G97V.
Identifiers: ClinVar variation 226817 (VCV000226817.18), dbSNP rs568600892, ClinGen allele CA8875305.